The following is an entry in ClinVar:

ClinVar aggregate classification (germline): Uncertain significance (1 of 4 stars; one submission).

Submission:

CeGaT Center for Human Genetics Tuebingen
Classification: Uncertain significance. Last evaluated: 2025-03-01. Review status: criteria provided, single submitter. Criteria: CeGaT Center For Human Genetics Tuebingen Variant Classification Criteria Version 2. Collection method: clinical testing. Allele origin: germline. Affected: yes. Observed: 1 variant allele.
Comment: TTN: PM2, BP4

NM_001267550.2(TTN):c.39557T>C (p.Val13186Ala)

Gene: TTN (titin; minus strand). Cytogenetic location: 2q31.2.
Variant type: single nucleotide variant.
Coding change: c.39557T>C on transcript NM_001267550.2 (MANE Select); coding-DNA position 39557, T replaced by C.
Protein change: p.Val13186Ala; replaces valine 13186 with alanine.
Molecular consequence: missense variant. On other transcripts: intron variant (3).
Genome position (GRCh38, 1-based): chr2:178,651,311, A>G on the plus strand (T>C on the coding strand, the complement: TTN is on the minus strand). VCF-style: chr2-178651311-A-G. GRCh37 (hg19) VCF-style: chr2-179516038-A-G.
Other names: c.35036T>C, p.Val11679Ala (NM_001256850.1); c.32255T>C, p.Val10752Ala (NM_133378.4); c.13283-8994T>C (NM_003319.4); c.13859-8994T>C (NM_133437.4); c.13658-8994T>C (NM_133432.3); short protein forms V10752A, V11679A, V13186A.
Identifiers: ClinVar variation 3778509 (VCV003778509.7).
Genomic context (GRCh38, chr2:178,651,311, plus strand): 5'-GGTGGGACTTCTGGCTTTTTGGGAACAGCTACTTTCTTTTCTGGAACAACTTCTTTTGGA[A>G]CTTCAGGCACTTCAAATATATTAGTATTTTAACATTAGAAACAATCACCAGTAAACATTC-3'
Protein context (NP_001254479.2, residues 13176-13196): PEAPPAKVPE[Val13186Ala]PKEVVPEKKV